The following is an entry in ClinVar:

ClinVar aggregate classification (germline): Uncertain significance. Review status: criteria provided, multiple submitters, no conflicts (2 of 4 stars). 2 submissions from 2 submitters: Uncertain significance (2). Last evaluated 2024-12-04.

Conditions:
Melanoma, cutaneous malignant, susceptibility to, 5. Also called: Cutaneous malignant melanoma 5. Identifiers: Orphanet 618, MedGen C2751295, MONDO:0013133, OMIM 613099.

Allele frequency attached by ClinVar (database versions not stated): gnomAD exomes 0.00001 and 0.00004; TOPMed 0.00002; ExAC 0.00003.
gnomAD v4.1: 9 of 1,608,604 alleles (0.00056%); highest among the groups gnomAD compares: Admixed American, 0.013%; no homozygotes.

Submissions (2):

Ambry Genetics
Classification: Uncertain significance. Last evaluated: 2024-12-04. Review status: criteria provided, single submitter. Criteria: Ambry Variant Classification Scheme 2023. Collection method: clinical testing. Allele origin: germline.
Comment: The p.V170M variant (also known as c.508G>A), located in coding exon 1 of the MC1R gene, results from a G to A substitution at nucleotide position 508. The valine at codon 170 is replaced by methionine, an amino acid with highly similar properties. This amino acid position is conserved. In addition, this alteration is predicted to be tolerated by in silico analysis. Based on the available evidence, the clinical significance of this variant remains unclear.

Labcorp Genetics (formerly Invitae), Labcorp
Classification: Uncertain significance for Melanoma, cutaneous malignant, susceptibility to, 5. Last evaluated: 2024-02-13. Review status: criteria provided, single submitter. Criteria: Invitae Variant Classification Sherloc (09022015). Collection method: clinical testing. Allele origin: germline.
Comment: This sequence change replaces valine, which is neutral and non-polar, with methionine, which is neutral and non-polar, at codon 170 of the MC1R protein (p.Val170Met). This variant is present in population databases (rs770551931, gnomAD 0.02%). This variant has not been reported in the literature in individuals affected with MC1R-related conditions. ClinVar contains an entry for this variant (Variation ID: 1495219). Advanced modeling of protein sequence and biophysical properties (such as structural, functional, and spatial information, amino acid conservation, physicochemical variation, residue mobility, and thermodynamic stability) performed at Invitae indicates that this missense variant is not expected to disrupt MC1R protein function with a negative predictive value of 80%. In summary, the available evidence is currently insufficient to determine the role of this variant in disease. Therefore, it has been classified as a Variant of Uncertain Significance.

NM_002386.4(MC1R):c.508G>A (p.Val170Met)

Gene: MC1R (melanocortin 1 receptor; plus strand). Cytogenetic location: 16q24.3.
Variant type: single nucleotide variant.
Coding change: c.508G>A on transcript NM_002386.4 (MANE Select); coding-DNA position 508, G replaced by A.
Protein change: p.Val170Met; replaces valine 170 with methionine.
Molecular consequence: missense variant.
Genome position (GRCh38, 1-based): chr16:89,919,766, G>A. VCF-style: chr16-89919766-G-A. GRCh37 (hg19) VCF-style: chr16-89986174-G-A.
Other names: c.508G>A (NM_002386.3); short protein forms V170M.
Identifiers: ClinVar variation 1495219 (VCV001495219.7), dbSNP rs770551931, ClinGen allele CA8255632.
Genomic context (GRCh38, chr16:89,919,766, plus strand): 5'-CTGCGCTACCACAGCATCGTGACCCTGCCGCGGGCGCGGCGAGCCGTTGCGGCCATCTGG[G>A]TGGCCAGTGTCGTCTTCAGCACGCTCTTCATCGCCTACTACGACCACGTGGCCGTCCTGC-3'
Protein context (NP_002377.4, residues 160-180): RARRAVAAIW[Val170Met]ASVVFSTLFI